The following is an entry in ClinVar:

NM_002474.3(MYH11):c.5690A>G (p.Asn1897Ser)

Genes: NDE1 (nudE neurodevelopment protein 1; plus strand), MYH11 (myosin heavy chain 11; minus strand). Cytogenetic location: 16p13.11.
Variant type: single nucleotide variant.
Coding change: c.5690A>G on transcript NM_002474.3 (MANE Select); coding-DNA position 5690, A replaced by G.
Protein change: p.Asn1897Ser; replaces asparagine 1897 with serine.
Molecular consequence: missense variant. On other transcripts: intron variant (2).
Genome position (GRCh38, 1-based): chr16:15,715,005, T>C on the plus strand (A>G on the coding strand, the complement: MYH11 is on the minus strand). VCF-style: chr16-15715005-T-C. GRCh37 (hg19) VCF-style: chr16-15808862-T-C.
Other names: c.5711A>G, p.Asn1904Ser (NM_001040113.2, NM_001040114.2); c.5690A>G, p.Asn1897Ser (NM_022844.3); c.948-9186T>C (NM_001143979.2, NM_017668.3); short protein forms N1904S, N1897S.
Identifiers: ClinVar variation 3665204 (VCV003665204.3).

ClinVar aggregate classification (germline): Uncertain significance. Review status: criteria provided, multiple submitters, no conflicts (2 of 4 stars). 2 submissions from 2 submitters: Uncertain significance (2). Last evaluated 2025-07-28.

Conditions:
Familial thoracic aortic aneurysm and aortic dissection (TAAD). Also called: Thoracic aortic aneurysms and dissections. Identifiers: Orphanet 91387, MedGen C4707243, MONDO:0019625.
Aortic aneurysm, familial thoracic 4 (AAT4). Also called: AORTIC ANEURYSM/AORTIC DISSECTION AND PATENT DUCTUS ARTERIOSUS. Identifiers: MedGen C1851504, MONDO:0007568, OMIM 132900.

gnomAD v4.1: 19 of 1,613,900 alleles (0.0012%); highest among the groups gnomAD compares: East Asian, 0.013%; no homozygotes.

Submissions (2):

Color Diagnostics, LLC DBA Color Health
Classification: Uncertain significance for Familial thoracic aortic aneurysm and aortic dissection. Last evaluated: 2025-07-28. Review status: criteria provided, single submitter. Criteria: ACMG Guidelines, 2015. Collection method: clinical testing. Allele origin: germline.
Comment: This missense variant replaces asparagine with serine at codon 1904 of the MYH11 protein. Computational prediction suggests that this variant may not impact protein structure and function. To our knowledge, functional studies have not been reported for this variant. This variant has not been reported in individuals affected with MYH11-related disorders in the literature. This variant has been identified in 4/251294 chromosomes in the general population by the Genome Aggregation Database (gnomAD). The available evidence is insufficient to determine the role of this variant in disease conclusively. Therefore, this variant is classified as a Variant of Uncertain Significance.

Labcorp Genetics (formerly Invitae), Labcorp
Classification: Uncertain significance for Aortic aneurysm, familial thoracic 4. Last evaluated: 2024-09-10. Review status: criteria provided, single submitter. Criteria: Invitae Variant Classification Sherloc (09022015). Collection method: clinical testing. Allele origin: germline.
Comment: This sequence change replaces asparagine, which is neutral and polar, with serine, which is neutral and polar, at codon 1904 of the MYH11 protein (p.Asn1904Ser). This variant is present in population databases (rs776619789, gnomAD 0.004%). This variant has not been reported in the literature in individuals affected with MYH11-related conditions. Invitae Evidence Modeling of protein sequence and biophysical properties (such as structural, functional, and spatial information, amino acid conservation, physicochemical variation, residue mobility, and thermodynamic stability) indicates that this missense variant is not expected to disrupt MYH11 protein function with a negative predictive value of 95%. In summary, the available evidence is currently insufficient to determine the role of this variant in disease. Therefore, it has been classified as a Variant of Uncertain Significance.